The following is an entry in ClinVar:

ClinVar aggregate classification (germline): Uncertain significance. Review status: criteria provided, multiple submitters, no conflicts (2 of 4 stars). 3 submissions from 3 submitters: Uncertain significance (3). Last evaluated 2025-09-26.

Conditions:
Inborn genetic diseases. Identifiers: MedGen C0950123, MeSH D030342.

Submissions (3):

Ambry Genetics
Classification: Uncertain significance for Inborn genetic diseases. Last evaluated: 2025-09-26. Review status: criteria provided, single submitter. Criteria: Ambry Variant Classification Scheme 2023. Collection method: clinical testing. Allele origin: germline.

GeneDx
Classification: Uncertain significance. Last evaluated: 2025-05-06. Review status: criteria provided, single submitter. Criteria: GeneDx Variant Classification Process June 2021. Collection method: clinical testing. Allele origin: germline.
Comment: Not observed at significant frequency in large population cohorts (gnomAD); In silico analysis supports that this missense variant has a deleterious effect on protein structure/function; Has not been previously published as pathogenic or benign to our knowledge

Greenwood Genetic Center Diagnostic Laboratories, Greenwood Genetic Center
Classification: Uncertain significance. Last evaluated: 2023-02-23. Review status: criteria provided, single submitter. Criteria: ACMG Guidelines, 2015. Collection method: clinical testing. Allele origin: germline. Affected: yes.
Comment: PM2, PP2, PP3

NM_014159.7(SETD2):c.5102G>T (p.Gly1701Val)

Gene: SETD2 (SET domain containing 2, histone lysine methyltransferase; minus strand). Cytogenetic location: 3p21.31.
Variant type: single nucleotide variant.
Coding change: c.5102G>T on transcript NM_014159.7 (MANE Select); coding-DNA position 5102, G replaced by T.
Protein change: p.Gly1701Val; replaces glycine 1701 with valine.
Molecular consequence: missense variant. On other transcripts: non-coding transcript variant (1).
Genome position (GRCh38, 1-based): chr3:47,097,995, C>A on the plus strand (G>T on the coding strand, the complement: SETD2 is on the minus strand). VCF-style: chr3-47097995-C-A. GRCh37 (hg19) VCF-style: chr3-47139485-C-A.
Other names: c.4970G>T, p.Gly1657Val (NM_001349370.3); short protein forms G1657V, G1701V.
Identifiers: ClinVar variation 2505181 (VCV002505181.4), dbSNP rs2107674311, ClinGen allele CA352511906.
Genomic context (GRCh38, chr3:47,097,995, plus strand): 5'-AAAGAAAAATGCAAACTTACTGAATCCTTCTTACGAGATCGTTCCTTCTTCATTTTCCCT[C>A]CTGCTGCTCTGATGCTGACTCTGTTTTCTCCTCCCAGGTAACCCCGGCAATTGGCTGATC-3'
Protein context (NP_054878.5, residues 1691-1711): GENRVSIRAA[Gly1701Val]GKMKKERSRK